The following is an entry in ClinVar:

NM_004329.3(BMPR1A):c.112G>T (p.Asp38Tyr)

Gene: BMPR1A (bone morphogenetic protein receptor type 1A; plus strand). Cytogenetic location: 10q23.2.
Variant type: single nucleotide variant.
Coding change: c.112G>T on transcript NM_004329.3 (MANE Select); coding-DNA position 112, G replaced by T.
Protein change: p.Asp38Tyr; replaces aspartic acid 38 with tyrosine.
Molecular consequence: missense variant. On other transcripts: non-coding transcript variant (3).
Genome position (GRCh38, 1-based): chr10:86,890,106, G>T. VCF-style: chr10-86890106-G-T. GRCh37 (hg19) VCF-style: chr10-88649863-G-T.
Other names: c.112G>T, p.Asp38Tyr (NM_001406559.1, NM_001406560.1, NM_001406561.1 and 23 more transcripts); c.28G>T, p.Asp10Tyr (NM_001406584.1, NM_001406585.1, NM_001406586.1 and 2 more transcripts); short protein forms D10Y, D38Y.
Identifiers: ClinVar variation 2832393 (VCV002832393.4), dbSNP rs1554888103, ClinGen allele CA377446449.

ClinVar aggregate classification (germline): Uncertain significance. Review status: criteria provided, multiple submitters, no conflicts (2 of 4 stars). 2 submissions from 2 submitters: Uncertain significance (2). Last evaluated 2026-07-07.

Conditions:
Hereditary cancer-predisposing syndrome. Also called: Hereditary Cancer Syndrome; Hereditary neoplastic syndrome; Neoplastic Syndromes, Hereditary; Tumor predisposition. Identifiers: Orphanet 140162, MedGen C0027672, MeSH D009386, MONDO:0015356.
Juvenile polyposis syndrome (JPS). Identifiers: Orphanet 2929, MedGen C0345893, MONDO:0017380, OMIM 174900.

Submissions (2):

Ambry Genetics
Classification: Uncertain significance for Hereditary cancer-predisposing syndrome. Last evaluated: 2026-07-07. Review status: criteria provided, single submitter. Criteria: Ambry Variant Classification Scheme 2023. Collection method: clinical testing. Allele origin: germline.
Comment: The p.D38Y variant (also known as c.112G>T), located in coding exon 2 of the BMPR1A gene, results from a G to T substitution at nucleotide position 112. The aspartic acid at codon 38 is replaced by tyrosine, an amino acid with highly dissimilar properties. This amino acid position is conserved. In addition, the in silico prediction for this alteration is inconclusive. Based on the available evidence, the clinical significance of this variant remains unclear.

Labcorp Genetics (formerly Invitae), Labcorp
Classification: Uncertain significance for Juvenile polyposis syndrome. Last evaluated: 2023-01-28. Review status: criteria provided, single submitter. Criteria: Invitae Variant Classification Sherloc (09022015). Collection method: clinical testing. Allele origin: germline.
Comment: This sequence change replaces aspartic acid, which is acidic and polar, with tyrosine, which is neutral and polar, at codon 38 of the BMPR1A protein (p.Asp38Tyr). This variant is not present in population databases (gnomAD no frequency). This variant has not been reported in the literature in individuals affected with BMPR1A-related conditions. Advanced modeling of protein sequence and biophysical properties (such as structural, functional, and spatial information, amino acid conservation, physicochemical variation, residue mobility, and thermodynamic stability) has been performed at Invitae for this missense variant, however the output from this modeling did not meet the statistical confidence thresholds required to predict the impact of this variant on BMPR1A protein function. In summary, the available evidence is currently insufficient to determine the role of this variant in disease. Therefore, it has been classified as a Variant of Uncertain Significance.